The following is an entry in ClinVar:

NM_001378615.1(CC2D2A):c.4068A>C (p.Gln1356His)

Genes: CC2D2A (coiled-coil and C2 domain containing 2A; plus strand), FBXL5 (F-box and leucine rich repeat protein 5; minus strand). Cytogenetic location: 4p15.32.
Variant type: single nucleotide variant.
Coding change: c.4068A>C on transcript NM_001378615.1 (MANE Select); coding-DNA position 4068, A replaced by C.
Protein change: p.Gln1356His; replaces glutamine 1356 with histidine.
Molecular consequence: missense variant.
Genome position (GRCh38, 1-based): chr4:15,587,818, A>C. VCF-style: chr4-15587818-A-C. GRCh37 (hg19) VCF-style: chr4-15589441-A-C.
Other names: c.4068A>C, p.Gln1356His (NM_001080522.2); c.3921A>C, p.Gln1307His (NM_001378617.1); short protein forms Q1307H, Q1356H.
Identifiers: ClinVar variation 1896868 (VCV001896868.6), dbSNP rs1234481040, ClinGen allele CA356428632.

ClinVar aggregate classification (germline): Uncertain significance. Review status: criteria provided, multiple submitters, no conflicts (2 of 4 stars). 2 submissions from 2 submitters: Uncertain significance (2). Last evaluated 2025-02-11.

Conditions:
Joubert syndrome. Also called: Familial aplasia of the vermis; JOUBERT-BOLTSHAUSER SYNDROME. Identifiers: Orphanet 475, MedGen C5979921, MONDO:0018772.
Meckel-Gruber syndrome. Also called: Dysencephalia splachnocystica; DYSENCEPHALIA SPLANCHNOCYSTICA; GRUBER SYNDROME. Identifiers: Orphanet 564, MedGen C0265215, MONDO:0018921.
Inborn genetic diseases. Identifiers: MedGen C0950123, MeSH D030342.

Allele frequency attached by ClinVar (database versions not stated): gnomAD exomes below 0.00001.
gnomAD v4.1: 6 of 1,593,708 alleles (0.00038%); highest among the groups gnomAD compares: Non-Finnish European, 0.00052%; no homozygotes.

Submissions (2):

Ambry Genetics
Classification: Uncertain significance for Inborn genetic diseases. Last evaluated: 2025-02-11. Review status: criteria provided, single submitter. Criteria: Ambry Variant Classification Scheme 2023. Collection method: clinical testing. Allele origin: germline.

Labcorp Genetics (formerly Invitae), Labcorp
Classification: Uncertain significance for Joubert syndrome; Meckel-Gruber syndrome. Last evaluated: 2023-10-03. Review status: criteria provided, single submitter. Criteria: Invitae Variant Classification Sherloc (09022015). Collection method: clinical testing. Allele origin: germline.
Comment: This sequence change replaces glutamine, which is neutral and polar, with histidine, which is basic and polar, at codon 1356 of the CC2D2A protein (p.Gln1356His). The frequency data for this variant in the population databases is considered unreliable, as metrics indicate poor data quality at this position in the gnomAD database. This variant has not been reported in the literature in individuals affected with CC2D2A-related conditions. ClinVar contains an entry for this variant (Variation ID: 1896868). An algorithm developed to predict the effect of missense changes on protein structure and function (PolyPhen-2) suggests that this variant is likely to be disruptive. In summary, the available evidence is currently insufficient to determine the role of this variant in disease. Therefore, it has been classified as a Variant of Uncertain Significance.